The following is an entry in ClinVar:

ClinVar aggregate classification (germline): Likely benign. Review status: criteria provided, single submitter (1 of 4 stars). 2 submissions from 2 submitters: Likely benign (1). 1 of the submissions does not count toward it. Last evaluated 2026-01-01.

Conditions:
STAG3-related disorder. Also called: STAG3-related condition.

Allele frequency attached by ClinVar (database versions not stated): 1000 Genomes Project 0.00040; TOPMed 0.00131; gnomAD 0.00133; gnomAD exomes 0.00155; ExAC 0.00163; ESP Exome Variant Server 0.00246.
gnomAD v4.1: 2,440 of 1,595,154 alleles (0.15%); highest among the groups gnomAD compares: Non-Finnish European, 0.18%; 3 homozygotes.

Submissions (2):

CeGaT Center for Human Genetics Tuebingen
Classification: Likely benign. Last evaluated: 2026-01-01. Review status: criteria provided, single submitter. Criteria: CeGaT Center For Human Genetics Tuebingen Variant Classification Criteria Version 2. Collection method: clinical testing. Allele origin: germline. Affected: yes. Observed: 1 variant allele.
Comment: STAG3: BP4

PreventionGenetics, part of Exact Sciences
Classification: Likely benign for STAG3-related condition. Last evaluated: 2022-02-23. Review status: no assertion criteria provided. Collection method: clinical testing. Allele origin: germline. Not counted in ClinVar's aggregate classification.
Comment: This variant is classified as likely benign based on ACMG/AMP sequence variant interpretation guidelines (Richards et al. 2015 PMID: 25741868, with internal and published modifications).

NM_001282717.2(STAG3):c.3308C>T (p.Pro1103Leu)

Gene: STAG3 (STAG3 cohesin complex component; plus strand). Cytogenetic location: 7q22.1.
Variant type: single nucleotide variant.
Coding change: c.3308C>T on transcript NM_001282717.2 (MANE Select); coding-DNA position 3308, C replaced by T.
Protein change: p.Pro1103Leu; replaces proline 1103 with leucine.
Molecular consequence: missense variant. On other transcripts: non-coding transcript variant (1).
Genome position (GRCh38, 1-based): chr7:100,211,080, C>T. VCF-style: chr7-100211080-C-T. GRCh37 (hg19) VCF-style: chr7-99808703-C-T.
Other names: c.3308C>T, p.Pro1103Leu (NM_001282716.1, NM_001375438.1, NM_012447.4); c.3134C>T, p.Pro1045Leu (NM_001282718.2); short protein forms P1045L, P1103L.
Identifiers: ClinVar variation 3039847 (VCV003039847.6), dbSNP rs61749910, ClinGen allele CA4379014.